The following is an entry in ClinVar:

NM_005120.3(MED12):c.3860G>T (p.Cys1287Phe)

Gene: MED12 (mediator complex subunit 12; plus strand). Cytogenetic location: Xq13.1.
Variant type: single nucleotide variant.
Coding change: c.3860G>T on transcript NM_005120.3 (MANE Select); coding-DNA position 3860, G replaced by T.
Protein change: p.Cys1287Phe; replaces cysteine 1287 with phenylalanine.
Molecular consequence: missense variant.
Genome position (GRCh38, 1-based): chrX:71,129,848, G>T. VCF-style: chrX-71129848-G-T. GRCh37 (hg19) VCF-style: chrX-70349698-G-T.
Other names: short protein forms C1287F.
Identifiers: ClinVar variation 2443435 (VCV002443435.1), dbSNP rs2147807751, ClinGen allele CA413522776.
Genomic context (GRCh38, chrX:71,129,848, plus strand): 5'-ACATCTCTGTGGAGACAGCCAGTCTGGATGTCTATGCCAAGTACGTGCTGCGCAGCATCT[G>T]CCAACAGGTCAGTTTCACCTTCCTCCCACACCTCCTAAATGCCTCTGTGTAATATAGTTC-3'
Protein context (NP_005111.2, residues 1277-1297): VYAKYVLRSI[Cys1287Phe]QQEWVGERCL

ClinVar aggregate classification (germline): Uncertain significance (1 of 4 stars; one submission).

Submission:

GeneDx
Classification: Uncertain significance. Last evaluated: 2022-09-07. Review status: criteria provided, single submitter. Criteria: GeneDx Variant Classification Process June 2021. Collection method: clinical testing. Allele origin: germline. Affected: yes.
Comment: Not observed at significant frequency in large population cohorts (gnomAD); In silico analysis supports that this missense variant has a deleterious effect on protein structure/function; Has not been previously published as pathogenic or benign to our knowledge